The following is an entry in ClinVar:

ClinVar aggregate classification (germline): Uncertain significance (1 of 4 stars; one submission).

Conditions:
Ataxia-telangiectasia syndrome (AT). Also called: Cerebello-oculocutaneous telangiectasia; ATAXIA-TELANGIECTASIA, COMPLEMENTATION GROUP A; ATAXIA-TELANGIECTASIA, FRESNO VARIANT; Ataxia-telangiectasia, complementation group D; AT, COMPLEMENTATION GROUP C; Immunodeficiency with ataxia telangiectasia. Identifiers: Orphanet 100, MedGen C0004135, MONDO:0008840, OMIM 208900.

Submission:

Labcorp Genetics (formerly Invitae), Labcorp
Classification: Uncertain significance for Ataxia-telangiectasia syndrome. Last evaluated: 2022-07-30. Review status: criteria provided, single submitter. Criteria: Invitae Variant Classification Sherloc (09022015). Collection method: clinical testing. Allele origin: germline.
Comment: This sequence change replaces lysine, which is basic and polar, with glutamine, which is neutral and polar, at codon 1289 of the ATM protein (p.Lys1289Gln). This variant is not present in population databases (gnomAD no frequency). This variant has not been reported in the literature in individuals affected with ATM-related conditions. Advanced modeling of protein sequence and biophysical properties (such as structural, functional, and spatial information, amino acid conservation, physicochemical variation, residue mobility, and thermodynamic stability) performed at Invitae indicates that this missense variant is not expected to disrupt ATM protein function. In summary, the available evidence is currently insufficient to determine the role of this variant in disease. Therefore, it has been classified as a Variant of Uncertain Significance.

NM_000051.4(ATM):c.3865A>C (p.Lys1289Gln)

Gene: ATM (ATM serine/threonine kinase; plus strand). Cytogenetic location: 11q22.3.
Variant type: single nucleotide variant.
Coding change: c.3865A>C on transcript NM_000051.4 (MANE Select); coding-DNA position 3865, A replaced by C.
Protein change: p.Lys1289Gln; replaces lysine 1289 with glutamine.
Molecular consequence: missense variant.
Genome position (GRCh38, 1-based): chr11:108,284,345, A>C. VCF-style: chr11-108284345-A-C. GRCh37 (hg19) VCF-style: chr11-108155072-A-C.
Other names: c.3865A>C, p.Lys1289Gln (NM_001351834.2); short protein forms K1289Q.
Identifiers: ClinVar variation 1714366 (VCV001714366.5), dbSNP rs1131691160, ClinGen allele CA382525294.